The following is an entry in ClinVar:

NM_005228.5(EGFR):c.2930G>A (p.Arg977His)

Gene: EGFR (epidermal growth factor receptor; plus strand). Cytogenetic location: 7p11.2.
Variant type: single nucleotide variant.
Coding change: c.2930G>A on transcript NM_005228.5 (MANE Select); coding-DNA position 2930, G replaced by A.
Protein change: p.Arg977His; replaces arginine 977 with histidine.
Molecular consequence: missense variant.
Genome position (GRCh38, 1-based): chr7:55,200,397, G>A. VCF-style: chr7-55200397-G-A. GRCh37 (hg19) VCF-style: chr7-55268090-G-A.
Other names: c.2795G>A, p.Arg932His (NM_001346897.2, NM_001346899.2); c.2930G>A, p.Arg977His (NM_001346898.2); c.2771G>A, p.Arg924His (NM_001346900.2); c.2129G>A, p.Arg710His (NM_001346941.2); short protein forms R710H, R924H, R932H, R977H.
Identifiers: ClinVar variation 954870 (VCV000954870.8), dbSNP rs745490627, ClinGen allele CA4266208.

ClinVar aggregate classification (germline): Uncertain significance. Review status: criteria provided, multiple submitters, no conflicts (2 of 4 stars). 2 submissions from 2 submitters: Uncertain significance (2). Last evaluated 2025-12-22.

Conditions:
Hereditary cancer-predisposing syndrome. Also called: Hereditary neoplastic syndrome; Tumor predisposition; Neoplastic Syndromes, Hereditary; Hereditary Cancer Syndrome. Identifiers: Orphanet 140162, MedGen C0027672, MeSH D009386, MONDO:0015356.
EGFR-related lung cancer (EGFR). Identifiers: MedGen CN130014.

Allele frequency attached by ClinVar (database versions not stated): gnomAD exomes below 0.00001; ExAC 0.00001.
gnomAD v4.1: 7 of 1,613,934 alleles (0.00043%); highest among the groups gnomAD compares: Non-Finnish European, 0.00034%; no homozygotes.

Submissions (2):

Labcorp Genetics (formerly Invitae), Labcorp
Classification: Uncertain significance for EGFR-related lung cancer. Last evaluated: 2025-12-22. Review status: criteria provided, single submitter. Criteria: Invitae Variant Classification Sherloc (09022015). Collection method: clinical testing. Allele origin: germline.
Comment: This sequence change replaces arginine, which is basic and polar, with histidine, which is basic and polar, at codon 977 of the EGFR protein (p.Arg977His). This variant is present in population databases (rs745490627, gnomAD 0.008%). This variant has not been reported in the literature in individuals affected with EGFR-related conditions. ClinVar contains an entry for this variant (Variation ID: 954870). Invitae Evidence Modeling of protein sequence and biophysical properties (such as structural, functional, and spatial information, amino acid conservation, physicochemical variation, residue mobility, and thermodynamic stability) indicates that this missense variant is expected to disrupt EGFR protein function with a positive predictive value of 80%. In summary, the available evidence is currently insufficient to determine the role of this variant in disease. Therefore, it has been classified as a Variant of Uncertain Significance.

Ambry Genetics
Classification: Uncertain significance for Hereditary cancer-predisposing syndrome. Last evaluated: 2025-04-09. Review status: criteria provided, single submitter. Criteria: Ambry Variant Classification Scheme 2023. Collection method: clinical testing. Allele origin: germline.
Comment: The p.R977H variant (also known as c.2930G>A), located in coding exon 24 of the EGFR gene, results from a G to A substitution at nucleotide position 2930. The arginine at codon 977 is replaced by histidine, an amino acid with highly similar properties. This amino acid position is highly conserved in available vertebrate species. In addition, the in silico prediction for this alteration is inconclusive. Based on the available evidence, the clinical significance of this variant remains unclear.